The following is an entry in ClinVar:

NM_018489.3(ASH1L):c.3937C>T (p.Arg1313Ter)

Gene: ASH1L (ASH1 like histone lysine methyltransferase; minus strand). Cytogenetic location: 1q22.
Variant type: single nucleotide variant.
Coding change: c.3937C>T on transcript NM_018489.3 (MANE Select); coding-DNA position 3937, C replaced by T.
Protein change: p.Arg1313Ter; replaces arginine 1313 with a stop codon.
Molecular consequence: nonsense.
Genome position (GRCh38, 1-based): chr1:155,478,933, G>A on the plus strand (C>T on the coding strand, the complement: ASH1L is on the minus strand). VCF-style: chr1-155478933-G-A. GRCh37 (hg19) VCF-style: chr1-155448724-G-A.
Other names: c.3937C>T, p.Arg1313Ter (NM_001366177.2); short protein forms R1313*.
Identifiers: ClinVar variation 3254958 (VCV003254958.1), dbSNP rs757577741.

ClinVar aggregate classification (germline): Pathogenic (1 of 4 stars; one submission).

Conditions:
Intellectual developmental disorder, autosomal dominant 52. Also called: Intellectual disability, autosomal dominant 52; Mental retardation, autosomal dominant 52. Identifiers: MedGen C4540478, MONDO:0030918, OMIM 617796.

Submission:

Victorian Clinical Genetics Services, Murdoch Childrens Research Institute
Classification: Pathogenic for Intellectual developmental disorder, autosomal dominant 52. Last evaluated: 2023-12-21. Review status: criteria provided, single submitter. Criteria: ACMG Guidelines, 2015. Collection method: clinical testing. Allele origin: germline. Inheritance: Autosomal dominant inheritance. Affected: yes.
Comment: Based on the classification scheme VCGS_Germline_v1.3.4, this variant is classified as Pathogenic. Following criteria are met: 0102 - Loss of function is a known mechanism of disease in this gene and is associated with intellectual developmental disorder, autosomal dominant 52 (MIM#617796) . (I) 0107 - This gene is associated with autosomal dominant disease. (I) 0201 - Variant is predicted to cause nonsense-mediated decay (NMD) and loss of protein (premature termination codon is located at least 54 nucleotides upstream of the final exon-exon junction). (SP) 0251 - This variant is heterozygous. (I) 0301 - Variant is absent from gnomAD (both v2 and v3). (SP) 0701 - Other NMD-predicted variants comparable to the one identified in this case have very strong previous evidence for pathogenicity (DECIPHER). (SP) 0807 - This variant has no previous evidence of pathogenicity. (I) 0905 - No published segregation evidence has been identified for this variant. (I) 1007 - No published functional evidence has been identified for this variant. (I) 1207 - Parental origin of the variant is unresolved. (I) Legend: (SP) - Supporting pathogenic, (I) - Information, (SB) - Supporting benign